The following is an entry in ClinVar:

ClinVar aggregate classification (germline): Uncertain significance (1 of 4 stars; one submission).

Conditions:
Hereditary spherocytosis type 4. Also called: SLC4A1-Related Spherocytosis. Identifiers: Orphanet 822, MedGen C2675212, MONDO:0012981, OMIM 612653.

gnomAD v4.1: 8 of 1,614,006 alleles (0.0005%); highest among the groups gnomAD compares: Admixed American, 0.0017%; no homozygotes.

Submission:

Juno Genomics, Hangzhou Juno Genomics, Inc
Classification: Uncertain significance for Hereditary spherocytosis type 4. Review status: criteria provided, single submitter. Criteria: ACMG Guidelines, 2015. Collection method: clinical testing. Allele origin: germline. Affected: yes.
Comment: Absent from controls (or at extremely low frequency if recessive) in Genome Aggregation Database, Exome Sequencing Project, 1000 Genomes Project, or Exome Aggregation Consortium.;Multiple lines of computational evidence support a deleterious effect on the gene or gene product (conservation, evolutionary, splicing impact, etc).;Patient's phenotype or family history is highly specific for a disease with a single genetic etiology.

NM_000342.4(SLC4A1):c.2404G>A (p.Gly802Ser)

Gene: SLC4A1 (solute carrier family 4 member 1 (Diego blood group); minus strand). Cytogenetic location: 17q21.31.
Variant type: single nucleotide variant.
Coding change: c.2404G>A on transcript NM_000342.4 (MANE Select); coding-DNA position 2404, G replaced by A.
Protein change: p.Gly802Ser; replaces glycine 802 with serine.
Molecular consequence: missense variant.
Genome position (GRCh38, 1-based): chr17:44,251,496, C>T on the plus strand (G>A on the coding strand, the complement: SLC4A1 is on the minus strand). VCF-style: chr17-44251496-C-T. GRCh37 (hg19) VCF-style: chr17-42328864-C-T.
Other names: short protein forms G802S.
Identifiers: ClinVar variation 3383051 (VCV003383051.2).